The following is an entry in ClinVar:

NM_004415.4(DSP):c.5428C>T (p.Gln1810Ter)

Gene: DSP (desmoplakin; plus strand). Cytogenetic location: 6p24.3.
Variant type: single nucleotide variant.
Coding change: c.5428C>T on transcript NM_004415.4 (MANE Select); coding-DNA position 5428, C replaced by T.
Protein change: p.Gln1810Ter; replaces glutamine 1810 with a stop codon.
Molecular consequence: nonsense.
Genome position (GRCh38, 1-based): chr6:7,582,690, C>T. VCF-style: chr6-7582690-C-T. GRCh37 (hg19) VCF-style: chr6-7582923-C-T.
Other names: c.3631C>T, p.Gln1211Ter (NM_001008844.3); c.4099C>T, p.Gln1367Ter (NM_001319034.2); short protein forms Q1810*, Q1211*, Q1367*.
Identifiers: ClinVar variation 44928 (VCV000044928.14), dbSNP rs397516946, ClinGen allele CA006459.

ClinVar aggregate classification (germline): Pathogenic. Review status: criteria provided, multiple submitters, no conflicts (2 of 4 stars). 6 submissions from 6 submitters: Pathogenic (5). 1 of the submissions does not count toward it. Last evaluated 2026-09-30.

Conditions:
DSP-related disorder. Also called: DSP-related disorders; DSP-related condition.
Familial isolated arrhythmogenic right ventricular dysplasia. Identifiers: Orphanet 217656, MedGen C4274968, MONDO:0016342.
Arrhythmogenic cardiomyopathy with wooly hair and keratoderma. Also called: PALMOPLANTAR KERATODERMA WITH LEFT VENTRICULAR CARDIOMYOPATHY AND WOOLLY HAIR; Dilated cardiomyopathy with woolly hair and keratoderma; Arrhythmogenic cardiomyopathy with woolly hair and keratoderma; Carvajal syndrome. Identifiers: Orphanet 65282, MedGen C1854063, MONDO:0011581, OMIM 605676.
Arrhythmogenic right ventricular dysplasia 8 (ARVD8). Also called: Arrhythmogenic Right Ventricular Dysplasia/Cardiomyopathy 8; ARRHYTHMOGENIC RIGHT VENTRICULAR DYSPLASIA, FAMILIAL, 8; ARRHYTHMOGENIC RIGHT VENTRICULAR CARDIOMYOPATHY 8. Identifiers: MedGen C1843896, MONDO:0011831, OMIM 607450.
Arrhythmogenic right ventricular cardiomyopathy (ARVD). Also called: Arrhythmogenic cardiomyopathy; Arrhythmogenic Right Ventricular Cardiomyopathy (ARVC); Cardiomyopathy, ARVC; Arrhythmogenic right ventricular dysplasia. Identifiers: Orphanet 247, MedGen C0349788, MeSH D019571, MONDO:0016587. Disease mechanism: loss of function. Inheritance: Various modes of inheritance.
Cardiovascular phenotype. Identifiers: MedGen CN230736.

Allele frequency attached by ClinVar (database versions not stated): gnomAD exomes below 0.00001.
gnomAD v4.1: 6 of 1,613,558 alleles (0.00037%); highest among the groups gnomAD compares: Non-Finnish European, 0.00051%; no homozygotes.

Submissions (6):

GeneDx
Classification: Pathogenic. Last evaluated: 2026-09-30. Review status: criteria provided, single submitter. Criteria: GeneDx Variant Classification Process June 2021. Collection method: clinical testing. Allele origin: germline.
Comment: Nonsense variant predicted to result in protein truncation in a gene for which loss of function is a known mechanism of disease; Not observed at significant frequency in large population cohorts (gnomAD); This variant is associated with the following publications: (PMID: 36175056, 36264615, 23812740, 31402444, 37885024, 37547072, 36291626, 41679409, 34946881)

Labcorp Genetics (formerly Invitae), Labcorp
Classification: Pathogenic for Arrhythmogenic cardiomyopathy with wooly hair and keratoderma; Arrhythmogenic right ventricular dysplasia 8. Last evaluated: 2025-10-01. Review status: criteria provided, single submitter. Criteria: Invitae Variant Classification Sherloc (09022015). Collection method: clinical testing. Allele origin: germline.
Comment: This sequence change creates a premature translational stop signal (p.Gln1810*) in the DSP gene. While this is not anticipated to result in nonsense mediated decay, it is expected to disrupt the last 1062 amino acid(s) of the DSP protein. This variant is not present in population databases (gnomAD no frequency). This premature translational stop signal has been observed in individual(s) with clinical features of arrhythmogenic right ventricular cardiomyopathy (PMID: 23812740). ClinVar contains an entry for this variant (Variation ID: 44928). This variant disrupts a region of the DSP protein in which other variant(s) (p.Glu2728Glyfs*11) have been determined to be pathogenic (internal data). This suggests that this is a clinically significant region of the protein, and that variants that disrupt it are likely to be disease-causing. For these reasons, this variant has been classified as Pathogenic.

Women's Health and Genetics/Laboratory Corporation of America, LabCorp
Classification: Pathogenic for Familial isolated arrhythmogenic right ventricular dysplasia. Last evaluated: 2025-09-25. Review status: criteria provided, single submitter. Criteria: LabCorp Variant Classification Summary - May 2015. Collection method: clinical testing. Allele origin: germline.
Comment: Variant summary: DSP c.5428C>T (p.Gln1810X) results in a premature termination codon in the last exon, predicted to cause a truncation of the encoded protein, however, nonsense mediated decay is not expected to occur. The variant was absent in 250994 control chromosomes. c.5428C>T has been observed in individual(s) affected with Arrhythmogenic Right Ventricular Dysplasia/Cardiomyopathy (Baskin_2013, Mazzaccara_2022, Rubino_2021). These data indicate that the variant is likely to be associated with disease. To our knowledge, no experimental evidence demonstrating an impact on protein function has been reported. Multiple downstream variants have been classified as Pathogenic by our lab (e.g.c.7623delG, p.Lys2542Serfs*19), providing evidence that the region altered by the variant is critical to protein function. The following publications have been ascertained in the context of this evaluation (PMID: 23812740, 36291626, 34946881). ClinVar contains an entry for this variant (Variation ID: 44928). Based on the evidence outlined above, the variant was classified as pathogenic.

Ambry Genetics
Classification: Pathogenic for Cardiovascular phenotype. Last evaluated: 2024-02-24. Review status: criteria provided, single submitter. Criteria: Ambry Variant Classification Scheme 2023. Collection method: clinical testing. Allele origin: germline.
Comment: The p.Q1810* pathogenic mutation (also known as c.5428C>T), located in coding exon 24 of the DSP gene, results from a C to T substitution at nucleotide position 5428. This changes the amino acid from a glutamine to a stop codon within coding exon 24. This alteration occurs at the 3' terminus of the DSP gene, is not expected to trigger nonsense-mediated mRNA decay, and impacts the last 37% of the protein. However, premature stop codons are typically deleterious in nature and the impacted region is critical for protein function (Ambry internal data). Alterations in DSP that result in haploinsufficiency or protein truncation have been reported in patients with arrhythmogenic right ventricular cardiomyopathy (ARVC) and dilated cardiomyopathy (DCM) (Fressart V et al. Europace. 2010;12(6):861-8; Elliott P et al. Circ Cardiovasc Genet. 2010;3(4):314-22; Quarta G et al. Circulation. 2011;123(23):2701-9; Garcia-Pavia P et al. Heart. 2011;97(21):1744-52; Rasmussen TB et al. Clin Genet. 2013;84(1):20-30; Pugh TJ et al. Genet Med. 2014;16(8):601-8). This variant has been detected in an ARVC cohort, and in an individual with features consistent with left-dominant arrhythmogenic cardiomyopathy (Baskin B et al. Hum Genet, 2013 Nov;132:1245-52; Rubino M et al. Genes (Basel), 2021 Nov;12). This variant is considered to be rare based on population cohorts in the Genome Aggregation Database (gnomAD). Based on the supporting evidence, this alteration is interpreted as a disease-causing mutation.

Blueprint Genetics
Classification: Pathogenic for DSP-related disorders. Last evaluated: 2021-04-26. Review status: criteria provided, single submitter. Criteria: ACMG Guidelines, 2015. Collection method: clinical testing. Allele origin: germline. Affected: yes. Observed: 3 variant alleles.

Laboratory for Molecular Medicine, Mass General Brigham Personalized Medicine
Classification: Likely pathogenic for Arrhythmogenic right ventricular cardiomyopathy. Last evaluated: 2008-04-08. Review status: no assertion criteria provided. Collection method: clinical testing. Allele origin: germline. Observed: 1 variant allele. Not counted in ClinVar's aggregate classification.

Literature cited by the submitters: PubMed 23812740 (cited by 3 submitters); PubMed 36291626 (cited by Women's Health and Genetics/Laboratory Corporation of America, LabCorp); PubMed 34946881 (cited by Women's Health and Genetics/Laboratory Corporation of America, LabCorp and Ambry Genetics).